The following is an entry in ClinVar:

ClinVar aggregate classification (germline): Uncertain significance (1 of 4 stars; one submission).

Conditions:
CACNA1F-related disorder. Also called: CACNA1F-related condition.

Submission:

PreventionGenetics, part of Exact Sciences
Classification: Uncertain significance for CACNA1F-related condition. Last evaluated: 2025-07-31. Review status: criteria provided, single submitter. Criteria: ACMG Guidelines, 2015. Collection method: clinical testing. Allele origin: germline.
Comment: The CACNA1F c.4532T>C variant is predicted to result in the amino acid substitution p.Met1511Thr. To our knowledge, this variant has not been reported in the literature or in a large population database (gnomAD), indicating this variant is rare. At this time, the clinical significance of this variant is uncertain due to the absence of conclusive functional and genetic evidence.

NM_001256789.3(CACNA1F):c.4499T>C (p.Met1500Thr)

Genes: CACNA1F (calcium voltage-gated channel subunit alpha1 F; minus strand), LOC126863257 (BRD4-independent group 4 enhancer GRCh37_chrX:49065732-49066931; plus strand). Cytogenetic location: Xp11.23.
Variant type: single nucleotide variant.
Coding change: c.4499T>C on transcript NM_001256789.3 (MANE Select); coding-DNA position 4499, T replaced by C.
Protein change: p.Met1500Thr; replaces methionine 1500 with threonine.
Molecular consequence: missense variant.
Genome position (GRCh38, 1-based): chrX:49,210,390, A>G on the plus strand (T>C on the coding strand, the complement: CACNA1F is on the minus strand). VCF-style: chrX-49210390-A-G. GRCh37 (hg19) VCF-style: chrX-49066850-A-G.
Other names: c.4337T>C, p.Met1446Thr (NM_001256790.3); c.4532T>C, p.Met1511Thr (NM_005183.4); short protein forms M1446T, M1500T, M1511T.
Identifiers: ClinVar variation 5000553 (VCV005000553.1).